The following is an entry in ClinVar:

ClinVar aggregate classification (germline): Uncertain significance. Review status: criteria provided, multiple submitters, no conflicts (2 of 4 stars). 2 submissions from 2 submitters: Uncertain significance (2). Last evaluated 2025-08-21.

Conditions:
Congenital cataracts-facial dysmorphism-neuropathy syndrome (CCFDN). Also called: CTDP1-Related Congenital Cataracts, Facial Dysmorphism, and Neuropathy; CATARACT, CONGENITAL, WITH FACIAL DYSMORPHISM AND NEUROPATHY. Identifiers: Orphanet 48431, MedGen C1858726, MONDO:0011402, OMIM 604168.

Allele frequency attached by ClinVar (database versions not stated): ExAC 0.00002; gnomAD 0.00004; TOPMed 0.00006; gnomAD exomes 0.00012; ESP Exome Variant Server 0.00015.

Submissions (2):

Labcorp Genetics (formerly Invitae), Labcorp
Classification: Uncertain significance. Last evaluated: 2025-08-21. Review status: criteria provided, single submitter. Criteria: Invitae Variant Classification Sherloc (09022015). Collection method: clinical testing. Allele origin: germline.
Comment: This sequence change replaces glutamine, which is neutral and polar, with arginine, which is basic and polar, at codon 133 of the CTDP1 protein (p.Gln133Arg). This variant is present in population databases (rs201529748, gnomAD 0.007%). This variant has not been reported in the literature in individuals affected with CTDP1-related conditions. ClinVar contains an entry for this variant (Variation ID: 2158235). An algorithm developed to predict the effect of missense changes on protein structure and function (PolyPhen-2) suggests that this variant is likely to be tolerated. In summary, the available evidence is currently insufficient to determine the role of this variant in disease. Therefore, it has been classified as a Variant of Uncertain Significance.

Revvity Omics, Revvity
Classification: Uncertain significance for Congenital cataracts-facial dysmorphism-neuropathy syndrome. Last evaluated: 2019-08-27. Review status: criteria provided, single submitter. Criteria: ACMG Guidelines, 2015. Collection method: clinical testing. Allele origin: germline.

NM_004715.5(CTDP1):c.398A>G (p.Gln133Arg)

Gene: CTDP1 (CTD phosphatase subunit 1; plus strand). Cytogenetic location: 18q23.
Variant type: single nucleotide variant.
Coding change: c.398A>G on transcript NM_004715.5 (MANE Select); coding-DNA position 398, A replaced by G.
Protein change: p.Gln133Arg; replaces glutamine 133 with arginine.
Molecular consequence: missense variant.
Genome position (GRCh38, 1-based): chr18:79,695,308, A>G. VCF-style: chr18-79695308-A-G. GRCh37 (hg19) VCF-style: chr18-77455308-A-G.
Other names: c.41A>G, p.Gln14Arg (NM_001202504.1); c.398A>G, p.Gln133Arg (NM_001318511.2, NM_048368.4); short protein forms Q133R, Q14R.
Identifiers: ClinVar variation 2158235 (VCV002158235.5), dbSNP rs201529748, ClinGen allele CA9009922.